The following is an entry in ClinVar:

NM_002979.5(SCP2):c.686A>G (p.Asp229Gly)

Gene: SCP2 (sterol carrier protein 2; plus strand). Cytogenetic location: 1p32.3.
Variant type: single nucleotide variant.
Coding change: c.686A>G on transcript NM_002979.5 (MANE Select); coding-DNA position 686, A replaced by G.
Protein change: p.Asp229Gly; replaces aspartic acid 229 with glycine.
Molecular consequence: missense variant.
Genome position (GRCh38, 1-based): chr1:52,978,228, A>G. VCF-style: chr1-52978228-A-G. GRCh37 (hg19) VCF-style: chr1-53443900-A-G.
Other names: c.554A>G, p.Asp185Gly (NM_001007098.3, NM_001193600.2); c.614A>G, p.Asp205Gly (NM_001193599.2); c.443A>G, p.Asp148Gly (NM_001193617.2); c.686A>G, p.Asp229Gly (NM_001330587.2); short protein forms D148G, D185G, D205G, D229G.
Identifiers: ClinVar variation 984405 (VCV000984405.6), dbSNP rs762454467, ClinGen allele CA857208.
Genomic context (GRCh38, chr1:52,978,228, plus strand): 5'-TCCGATCAGGTGCTACTGGGTGTGGAGAATTATTTTTACTTCCTCTTAGTCCCACTTCAG[A>G]TGGTGCTGCAGCAGCAATTTTGGCCAGTGAAGCATTTGTACAGAAGTATGGCCTGCAATC-3'
Protein context (NP_002970.2, residues 219-239): LTILQCCPTS[Asp229Gly]GAAAAILASE

ClinVar aggregate classification (germline): Uncertain significance. Review status: criteria provided, multiple submitters, no conflicts (2 of 4 stars). 2 submissions from 2 submitters: Uncertain significance (2). Last evaluated 2025-02-24.

Conditions:
Sensorineural hearing loss disorder. Also called: Sensorineural hearing loss; Sensorineural hearing impairment; Sensorineural Deafness. Identifiers: MedGen C0018784, MeSH D006319, MONDO:0020678, HP:0000407.

Allele frequency attached by ClinVar (database versions not stated): gnomAD exomes 0.00001; ExAC 0.00002.
gnomAD v4.1: 16 of 1,613,816 alleles (0.00099%); highest among the groups gnomAD compares: South Asian, 0.015%; no homozygotes.

Submissions (2):

Labcorp Genetics (formerly Invitae), Labcorp
Classification: Uncertain significance. Last evaluated: 2025-02-24. Review status: criteria provided, single submitter. Criteria: Invitae Variant Classification Sherloc (09022015). Collection method: clinical testing. Allele origin: germline.
Comment: This sequence change replaces aspartic acid, which is acidic and polar, with glycine, which is neutral and non-polar, at codon 229 of the SCP2 protein (p.Asp229Gly). This variant is present in population databases (rs762454467, gnomAD 0.01%). This missense change has been observed in individual(s) with nonsyndromic deafness (PMID: 33713422). This variant is also known as p.Asp185Gly. ClinVar contains an entry for this variant (Variation ID: 984405). An algorithm developed to predict the effect of missense changes on protein structure and function (PolyPhen-2) suggests that this variant is likely to be disruptive. In summary, the available evidence is currently insufficient to determine the role of this variant in disease. Therefore, it has been classified as a Variant of Uncertain Significance.

Genetics Research Center, University of Social Welfare and Rehabilitation Sciences
Classification: Uncertain significance for Sensorineural hearing loss disorder. Last evaluated: 2020-09-30. Review status: criteria provided, single submitter. Criteria: ACMG Guidelines, 2015. Collection method: clinical testing. Allele origin: germline. Affected: yes.

Literature cited by the submitters: PubMed 33713422 (cited by Labcorp Genetics (formerly Invitae), Labcorp).